The following is an entry in ClinVar:

NM_002691.4(POLD1):c.2713G>T (p.Glu905Ter)

Gene: POLD1 (DNA polymerase delta 1, catalytic subunit; plus strand). Cytogenetic location: 19q13.33.
Variant type: single nucleotide variant.
Coding change: c.2713G>T on transcript NM_002691.4 (MANE Select); coding-DNA position 2713, G replaced by T.
Protein change: p.Glu905Ter; replaces glutamic acid 905 with a stop codon.
Molecular consequence: nonsense. On other transcripts: non-coding transcript variant (1).
Genome position (GRCh38, 1-based): chr19:50,415,586, G>T. VCF-style: chr19-50415586-G-T. GRCh37 (hg19) VCF-style: chr19-50918843-G-T.
Other names: c.2713G>T, p.Glu905Ter (NM_001256849.1); c.2791G>T, p.Glu931Ter (NM_001308632.1); short protein forms E931*, E905*.
Identifiers: ClinVar variation 3661429 (VCV003661429.2).

ClinVar aggregate classification (germline): Uncertain significance (1 of 4 stars; one submission).

Conditions:
POLD1-related polyposis and colorectal cancer syndrome (CRCS10). Also called: Colorectal cancer 10; COLORECTAL CANCER, SUSCEPTIBILITY TO, ON CHROMOSOME 19q; Colorectal cancer, susceptibility to, 10. Identifiers: Orphanet 220460, MedGen C2675481, MONDO:0012953, OMIM 612591.

Submission:

Labcorp Genetics (formerly Invitae), Labcorp
Classification: Uncertain significance for POLD1-related polyposis and colorectal cancer syndrome. Last evaluated: 2024-08-05. Review status: criteria provided, single submitter. Criteria: Invitae Variant Classification Sherloc (09022015). Collection method: clinical testing. Allele origin: germline.
Comment: This sequence change creates a premature translational stop signal (p.Glu905*) in the POLD1 gene. Missense variants that disrupt the 3'-5' exonuclease (proof-reading) activity of the POLD1 protein are associated with PPAP (polymerase proofreading–associated polyposis) (PMID: 23263490, 23447401). However, loss-of-function variants that result in an absent or severely disrupted POLD1 protein, and missense variants outside the exonuclease domain, are unlikely to be associated with PPAP. This variant is not present in population databases (gnomAD no frequency). This variant has not been reported in the literature in individuals affected with POLD1-related conditions. In summary, the available evidence is currently insufficient to determine the role of this variant in disease. Therefore, it has been classified as a Variant of Uncertain Significance.

Literature cited by the submitters: PubMed 23263490; PubMed 23447401.